The following is an entry in ClinVar:

ClinVar aggregate classification (germline): Uncertain significance (1 of 4 stars; one submission).

Conditions:
Hereditary cancer-predisposing syndrome. Also called: Hereditary Cancer Syndrome; Tumor predisposition; Hereditary neoplastic syndrome; Neoplastic Syndromes, Hereditary. Identifiers: Orphanet 140162, MedGen C0027672, MeSH D009386, MONDO:0015356.

Submission:

Ambry Genetics
Classification: Uncertain significance for Hereditary cancer-predisposing syndrome. Last evaluated: 2024-05-22. Review status: criteria provided, single submitter. Criteria: Ambry Variant Classification Scheme 2023. Collection method: clinical testing. Allele origin: germline.
Comment: The p.V412L variant (also known as c.1234G>T), located in coding exon 9 of the BRCA1 gene, results from a G to T substitution at nucleotide position 1234. The valine at codon 412 is replaced by leucine, an amino acid with highly similar properties. This amino acid position is conserved. In addition, the in silico prediction for this alteration is inconclusive. Based on the available evidence, the clinical significance of this variant remains unclear.

NM_007294.4(BRCA1):c.1234G>T (p.Val412Leu)

Gene: BRCA1 (BRCA1 DNA repair associated; minus strand). Cytogenetic location: 17q21.31.
Variant type: single nucleotide variant.
Coding change: c.1234G>T on transcript NM_007294.4 (MANE Select); coding-DNA position 1234, G replaced by T.
Protein change: p.Val412Leu; replaces valine 412 with leucine.
Molecular consequence: missense variant. On other transcripts: intron variant (137).
Genome position (GRCh38, 1-based): chr17:43,094,297, C>A on the plus strand (G>T on the coding strand, the complement: BRCA1 is on the minus strand). VCF-style: chr17-43094297-C-A. GRCh37 (hg19) VCF-style: chr17-41246314-C-A.
Other names: c.1090G>T, p.Val364Leu (NM_001407943.1, NM_001407740.1, NM_001407741.1 and 20 more transcripts); c.1093G>T, p.Val365Leu (NM_001407944.1, NM_001407945.1, NM_001407692.1 and 29 more transcripts); c.901G>T, p.Val301Leu (NM_001407946.1, NM_001407947.1, NM_001407948.1 and 6 more transcripts); c.898G>T, p.Val300Leu (NM_001407955.1, NM_001407954.1, NM_001407956.1 and 1 more transcripts); c.1021G>T, p.Val341Leu (NM_001407571.1, NM_001407853.1, NM_001407894.1 and 9 more transcripts); c.1234G>T, p.Val412Leu (NM_001407581.1, NM_001407582.1, NM_001407583.1 and 30 more transcripts); c.1231G>T, p.Val411Leu (NM_001407587.1, NM_001407590.1, NM_001407591.1 and 22 more transcripts); c.1225G>T, p.Val409Leu (NM_001407646.1, NM_001407647.1); and 40 more; short protein forms V284L, V300L, V301L, V344L, V370L, V385L, V386L, V411L.
Identifiers: ClinVar variation 3261490 (VCV003261490.1).